The following is an entry in ClinVar:

ClinVar aggregate classification (germline): Pathogenic. Review status: reviewed by expert panel (3 of 4 stars). 7 submissions from 7 submitters: Pathogenic (1). 6 of the submissions do not count toward it. Last evaluated 2023-08-25.

Conditions:
CDH1-related diffuse gastric and lobular breast cancer syndrome. Also called: CDH1-related diffuse gastric and lobular breast cancer. Identifiers: MedGen CN311521, MONDO:0100488.
Familial cancer of breast. Also called: Hereditary breast cancer; BREAST CANCER, FAMILIAL; hereditary breast carcinoma. Identifiers: Orphanet 227535, MedGen C0346153, MONDO:0016419, OMIM 114480. Disease mechanism: loss of function.
Ovarian cancer. Also called: OVARIAN CANCER, SOMATIC. Identifiers: Orphanet 213500, MedGen C1140680, MONDO:0008170, OMIM 167000.
Hereditary cancer-predisposing syndrome. Also called: Hereditary neoplastic syndrome; Neoplastic Syndromes, Hereditary; Tumor predisposition; Hereditary Cancer Syndrome. Identifiers: Orphanet 140162, MedGen C0027672, MeSH D009386, MONDO:0015356.
Hereditary diffuse gastric adenocarcinoma (HDGC). Also called: DIFFUSE GASTRIC AND LOBULAR BREAST CANCER SYNDROME. Identifiers: Orphanet 26106, MedGen C1708349, MONDO:0007648, OMIM 137215.

Submissions (7):

Clingen Gastric Cancer Variant Curation Expert Panel
Classification: Pathogenic for CDH1-related diffuse gastric and lobular breast cancer syndrome. Last evaluated: 2023-08-25. Review status: reviewed by expert panel. Criteria: ClinGen CDH1 ACMG Specifications V3.1. Collection method: curation. Allele origin: germline. Inheritance: Autosomal dominant inheritance.
Comment: The c.2095C>T (p.Gln699Ter) variant is predicted to result in a premature stop codon that leads to a truncated or absent protein (PVS1, PM5_Supporting). This variant is absent in the gnomAD cohort (PM2_Supporting). The variant has been reported in at least one family meeting HDGC clinical criteria (PS4_Supporting; PMID: 9537325). In summary, this variant meets criteria to be classified as pathogenic based on the ACMG/AMP criteria applied as specified by the CDH1 Variant Curation Expert Panel (Variant Interpretation Guidelines Version 3.1): PVS1, PM2_Supporting, PS4_Supporting, PM5_Supporting.

Ambry Genetics
Classification: Pathogenic for Hereditary cancer-predisposing syndrome. Last evaluated: 2025-02-05. Review status: criteria provided, single submitter. Criteria: Ambry Variant Classification Scheme 2023. Collection method: clinical testing. Allele origin: germline. Not counted in ClinVar's aggregate classification.
Comment: The p.Q699* pathogenic mutation (also known as c.2095C>T), located in coding exon 13 of the CDH1 gene, results from a C to T substitution at nucleotide position 2095. This changes the amino acid from a glutamine to a stop codon within coding exon 13. This variant was reported in individual(s) with features consistent with CDH1-related diffuse gastric and lobular breast cancer (DGLBC) (Guilford P et al. Nature, 1998 Mar;392:402-5; More H et al. Hum Mutat, 2007 Feb;28:203; Garcia-Pelaez J et al. Lancet Oncol, 2023 Jan;24:91-106). This variant is considered to be rare based on population cohorts in the Genome Aggregation Database (gnomAD). In addition to the clinical data presented in the literature, this alteration is expected to result in loss of function by premature protein truncation or nonsense-mediated mRNA decay. As such, this alteration is interpreted as a disease-causing mutation.

Labcorp Genetics (formerly Invitae), Labcorp
Classification: Pathogenic for Hereditary diffuse gastric adenocarcinoma. Last evaluated: 2024-02-02. Review status: criteria provided, single submitter. Criteria: Invitae Variant Classification Sherloc (09022015). Collection method: clinical testing. Allele origin: germline. Not counted in ClinVar's aggregate classification.
Comment: This sequence change creates a premature translational stop signal (p.Gln699*) in the CDH1 gene. It is expected to result in an absent or disrupted protein product. Loss-of-function variants in CDH1 are known to be pathogenic (PMID: 15235021, 20373070). This variant is not present in population databases (gnomAD no frequency). This premature translational stop signal has been observed in individual(s) with diffuse gastric cancer (PMID: 9537325). ClinVar contains an entry for this variant (Variation ID: 12237). Algorithms developed to predict the effect of sequence changes on RNA splicing suggest that this variant may disrupt the consensus splice site. For these reasons, this variant has been classified as Pathogenic.

Myriad Genetics, Inc.
Classification: Pathogenic for Hereditary diffuse gastric adenocarcinoma. Last evaluated: 2023-06-15. Review status: criteria provided, single submitter. Criteria: Myriad Autosomal Dominant, Autosomal Recessive and X-Linked Classification Criteria (2023). Collection method: clinical testing. Allele origin: unknown. Not counted in ClinVar's aggregate classification.
Comment: This variant is considered pathogenic. This variant creates a termination codon and is predicted to result in premature protein truncation.

European Reference Network on Genetic Tumour Risk Syndromes (ERN-GENTURIS), i3s - Instituto de Investigação e Inovação em Saúde, University of Porto
Classification: Pathogenic for Hereditary diffuse gastric adenocarcinoma. Last evaluated: 2022-08-01. Review status: criteria provided, single submitter. Criteria: Lee et al. (Hum Mutat. 2018). Collection method: clinical testing. Allele origin: germline. Inheritance: Autosomal dominant inheritance. Affected: yes. Study: ERN GENTURIS. Not counted in ClinVar's aggregate classification.
Comment: PVS1; PS4_Supporting; PM2 (PMID: 30311375)

Department of Pathology and Laboratory Medicine, Sinai Health System
Classification: Pathogenic for Familial cancer of breast; Ovarian cancer. Last evaluated: 2022-02-22. Review status: criteria provided, single submitter. Criteria: ACMG Guidelines, 2015. Collection method: clinical testing. Allele origin: germline. Affected: yes. Not counted in ClinVar's aggregate classification.

OMIM
Classification: Pathogenic for DIFFUSE GASTRIC AND LOBULAR BREAST CANCER SYNDROME. Last evaluated: 1998-03-26. Review status: no assertion criteria provided. Collection method: literature only. Allele origin: germline. Not counted in ClinVar's aggregate classification.

Literature cited by the submitters: PubMed 17221870 (cited by Ambry Genetics); PubMed 36436516 (cited by Ambry Genetics and European Reference Network on Genetic Tumour Risk Syndromes (ERN-GENTURIS), i3s - Instituto de Investigação e Inovação em Saúde, University of Porto); PubMed 9537325 (cited by 3 submitters); PubMed 15235021 (cited by Labcorp Genetics (formerly Invitae), Labcorp); PubMed 20373070 (cited by Labcorp Genetics (formerly Invitae), Labcorp).

NM_004360.5(CDH1):c.2095C>T (p.Gln699Ter)

Gene: CDH1 (cadherin 1; plus strand). Cytogenetic location: 16q22.1.
Variant type: single nucleotide variant.
Coding change: c.2095C>T on transcript NM_004360.5 (MANE Select); coding-DNA position 2095, C replaced by T.
Protein change: p.Gln699Ter; replaces glutamine 699 with a stop codon.
Molecular consequence: nonsense.
Genome position (GRCh38, 1-based): chr16:68,823,557, C>T. VCF-style: chr16-68823557-C-T. GRCh37 (hg19) VCF-style: chr16-68857460-C-T.
Other names: c.2095C>T (NM_004360.3, NM_004360.4); c.1912C>T, p.Gln638Ter (NM_001317184.2); c.547C>T, p.Gln183Ter (NM_001317185.2); c.130C>T, p.Gln44Ter (NM_001317186.2); c.2095C>T, p.Gln699Ter (LRG_301t1); short protein forms Q699*, Q183*, Q638*, Q44*.
Identifiers: ClinVar variation 12237 (VCV000012237.14), dbSNP rs121964874, ClinGen allele CA280993.